The following is an entry in ClinVar:

NM_007374.3(SIX6):c.652G>A (p.Val218Ile)

Genes: C14orf39 (chromosome 14 open reading frame 39; minus strand), SIX6 (SIX homeobox 6; plus strand). Cytogenetic location: 14q23.1.
Variant type: single nucleotide variant.
Coding change: c.652G>A on transcript NM_007374.3 (MANE Select); coding-DNA position 652, G replaced by A.
Protein change: p.Val218Ile; replaces valine 218 with isoleucine.
Molecular consequence: missense variant.
Genome position (GRCh38, 1-based): chr14:60,511,163, G>A. VCF-style: chr14-60511163-G-A. GRCh37 (hg19) VCF-style: chr14-60977881-G-A.
Other names: short protein forms V218I.
Identifiers: ClinVar variation 2191121 (VCV002191121.4), dbSNP rs759745079, ClinGen allele CA390087783.

ClinVar aggregate classification (germline): Uncertain significance (1 of 4 stars; one submission).

Submission:

Labcorp Genetics (formerly Invitae), Labcorp
Classification: Uncertain significance. Last evaluated: 2022-11-08. Review status: criteria provided, single submitter. Criteria: Invitae Variant Classification Sherloc (09022015). Collection method: clinical testing. Allele origin: germline.
Comment: This variant has not been reported in the literature in individuals affected with SIX6-related conditions. In summary, the available evidence is currently insufficient to determine the role of this variant in disease. Therefore, it has been classified as a Variant of Uncertain Significance. Algorithms developed to predict the effect of missense changes on protein structure and function (SIFT, PolyPhen-2, Align-GVGD) all suggest that this variant is likely to be tolerated. This variant is not present in population databases (gnomAD no frequency). This sequence change replaces valine, which is neutral and non-polar, with isoleucine, which is neutral and non-polar, at codon 218 of the SIX6 protein (p.Val218Ile).